The following is an entry in ClinVar:

ClinVar aggregate classification (germline): Uncertain significance (1 of 4 stars; one submission).

Submission:

Labcorp Genetics (formerly Invitae), Labcorp
Classification: Uncertain significance. Last evaluated: 2022-07-06. Review status: criteria provided, single submitter. Criteria: Invitae Variant Classification Sherloc (09022015). Collection method: clinical testing. Allele origin: germline.
Comment: This sequence change replaces alanine, which is neutral and non-polar, with serine, which is neutral and polar, at codon 1659 of the MCM3AP protein (p.Ala1659Ser). This variant is not present in population databases (gnomAD no frequency). This variant has not been reported in the literature in individuals affected with MCM3AP-related conditions. Algorithms developed to predict the effect of missense changes on protein structure and function are either unavailable or do not agree on the potential impact of this missense change (SIFT: "Tolerated"; PolyPhen-2: "Probably Damaging"; Align-GVGD: "Class C0"). In summary, the available evidence is currently insufficient to determine the role of this variant in disease. Therefore, it has been classified as a Variant of Uncertain Significance.

NM_003906.5(MCM3AP):c.4975G>T (p.Ala1659Ser)

Genes: MCM3AP (minichromosome maintenance complex component 3 associated protein; minus strand), MCM3AP-AS1 (MCM3AP antisense RNA 1; plus strand). Cytogenetic location: 21q22.3.
Variant type: single nucleotide variant.
Coding change: c.4975G>T on transcript NM_003906.5 (MANE Select); coding-DNA position 4975, G replaced by T.
Protein change: p.Ala1659Ser; replaces alanine 1659 with serine.
Molecular consequence: missense variant.
Genome position (GRCh38, 1-based): chr21:46,244,870, C>A on the plus strand (G>T on the coding strand, the complement: MCM3AP is on the minus strand). VCF-style: chr21-46244870-C-A. GRCh37 (hg19) VCF-style: chr21-47664784-C-A.
Other names: short protein forms A1659S.
Identifiers: ClinVar variation 2047549 (VCV002047549.4), dbSNP rs2517317604, ClinGen allele CA410542739.